The following is an entry in ClinVar:

NM_006514.4(SCN10A):c.4273A>C (p.Lys1425Gln)

Gene: SCN10A (sodium voltage-gated channel alpha subunit 10; minus strand). Cytogenetic location: 3p22.2.
Variant type: single nucleotide variant.
Coding change: c.4273A>C on transcript NM_006514.4 (MANE Select); coding-DNA position 4273, A replaced by C.
Protein change: p.Lys1425Gln; replaces lysine 1425 with glutamine.
Molecular consequence: missense variant.
Genome position (GRCh38, 1-based): chr3:38,709,486, T>G on the plus strand (A>C on the coding strand, the complement: SCN10A is on the minus strand). VCF-style: chr3-38709486-T-G. GRCh37 (hg19) VCF-style: chr3-38750977-T-G.
Other names: c.4270A>C, p.Lys1424Gln (NM_001293306.2); c.3979A>C, p.Lys1327Gln (NM_001293307.2); short protein forms K1327Q, K1424Q, K1425Q.
Identifiers: ClinVar variation 3343453 (VCV003343453.1).

ClinVar aggregate classification (germline): Uncertain significance (1 of 4 stars; one submission).

Submission:

GeneDx
Classification: Uncertain significance. Last evaluated: 2023-05-19. Review status: criteria provided, single submitter. Criteria: GeneDx Variant Classification Process June 2021. Collection method: clinical testing. Allele origin: germline. Affected: yes.
Comment: Not observed at significant frequency in large population cohorts (gnomAD); In silico analysis supports that this missense variant has a deleterious effect on protein structure/function; Has not been previously published as pathogenic or benign to our knowledge